The following is an entry in ClinVar:

ClinVar aggregate classification (germline): Pathogenic/Likely pathogenic. Review status: criteria provided, multiple submitters, no conflicts (2 of 4 stars). 4 submissions from 4 submitters: Pathogenic (1); Likely pathogenic (3). Last evaluated 2026-01-30.

Conditions:
Hereditary spastic paraplegia 49 (HSAN9). Also called: NEUROPATHY, HEREDITARY SENSORY AND AUTONOMIC, TYPE IX, WITH DEVELOPMENTAL DELAY; Spastic paraplegia 49, autosomal recessive; TECPR2-Related Hereditary Sensory and Autonomic Neuropathy with Intellectual Disability. Identifiers: Orphanet 320385, MedGen C5190860, MONDO:0014016, OMIM 615031.

Submissions (4):

Natera, Inc.
Classification: Likely pathogenic for Autosomal recessive spastic paraplegia type 49. Last evaluated: 2026-01-30. Review status: criteria provided, single submitter. Criteria: Natera Variant Classification Schema (03/2026). Collection method: clinical testing. Allele origin: germline.
Comment: The c.1944_1947delCACT variant in TECPR2 is a frameshift variant predicted to shift the reading frame beginning at codon 649 and leads to a stop codon 35 codons downstream. This variant is expected to result in nonsense mediated decay, truncation, or a dysfunctional protein product. This variant is rare in the general population with a frequency below the threshold expected for the associated phenotype(s). Given the available evidence, this variant is classified as Likely Pathogenic.

Fulgent Genetics
Classification: Likely pathogenic for Hereditary spastic paraplegia 49. Last evaluated: 2024-04-07. Review status: criteria provided, single submitter. Criteria: ACMG Guidelines, 2015. Collection method: clinical testing. Allele origin: germline.

Labcorp Genetics (formerly Invitae), Labcorp
Classification: Pathogenic for Hereditary spastic paraplegia 49. Last evaluated: 2023-05-13. Review status: criteria provided, single submitter. Criteria: Invitae Variant Classification Sherloc (09022015). Collection method: clinical testing. Allele origin: germline.
Comment: For these reasons, this variant has been classified as Pathogenic. ClinVar contains an entry for this variant (Variation ID: 817027). This variant has not been reported in the literature in individuals affected with TECPR2-related conditions. This variant is not present in population databases (gnomAD no frequency). This sequence change creates a premature translational stop signal (p.Thr649Cysfs*35) in the TECPR2 gene. It is expected to result in an absent or disrupted protein product. Loss-of-function variants in TECPR2 are known to be pathogenic (PMID: 23176824, 25590979).

GeneDx
Classification: Likely pathogenic. Last evaluated: 2019-02-08. Review status: criteria provided, single submitter. Criteria: GeneDx Variant Classification (06012015). Collection method: clinical testing. Allele origin: germline. Affected: yes.
Comment: The c.1944_1947delCACT variant in the TECPR2 gene has not been reported previously as a pathogenic variant nor as a benign variant, to our knowledge. The c.1944_1947delCACT variant causes a frameshift starting with codon Threonine 649, changes this amino acid to a Cysteine residue, and creates a premature Stop codon at position 35 of the new reading frame, denoted p.Thr649CysfsX35. This variant is predicted to cause loss of normal protein function either through protein truncation or nonsense-mediated mRNA decay. The c.1944_1947delCACT variant is not observed in large population cohorts (Lek et al., 2016). We interpret c.1944_1947delCACT as a likely pathogenic variant.

Literature cited by the submitters: PubMed 23176824 (cited by Labcorp Genetics (formerly Invitae), Labcorp); PubMed 25590979 (cited by Labcorp Genetics (formerly Invitae), Labcorp).

NM_014844.5(TECPR2):c.1944_1947del (p.Thr649fs)

Gene: TECPR2 (tectonin beta-propeller repeat containing 2; plus strand). Cytogenetic location: 14q32.31.
Variant type: Microsatellite.
Coding change: c.1944_1947del on transcript NM_014844.5 (MANE Select); coding-DNA positions 1944 to 1947, 4 bases deleted (CACT; older notation c.1944_1947delCACT).
Protein change: p.Thr649fs; shifts the reading frame from threonine 649.
Molecular consequence: frameshift variant.
Genome position (GRCh38, 1-based): chr14:102,434,761-102,434,764, CACT deleted; deleting any 4 consecutive bases within chr14:102,434,754-102,434,764 gives the same sequence; the c. name uses the placement nearest the transcript's 3' end. VCF-style (leftmost placement, unchanged base first): chr14-102434753-AACTC-A. GRCh37 (hg19) VCF-style: chr14-102901090-AACTC-A.
Other names: c.1944_1947del, p.Thr649fs (NM_001172631.3); c.1944_1947delCACT (NM_014844.4); short protein forms T649fs.
Identifiers: ClinVar variation 817027 (VCV000817027.9), dbSNP rs1595123894, ClinGen allele CA915946439.